The following is an entry in ClinVar:

ClinVar aggregate classification (germline): Conflicting classifications of pathogenicity. Review status: criteria provided, conflicting classifications (1 of 4 stars). 4 submissions from 4 submitters: Uncertain significance (1); Likely benign (3). Last evaluated 2025-08-22.

Conditions:
Generalized epilepsy-paroxysmal dyskinesia syndrome (PNKD3). Also called: Generalized epilepsy and paroxysmal dyskinesia; Paroxysmal nonkinesigenic dyskinesia, 3, with or without generalized epilepsy. Identifiers: Orphanet 79137, MedGen C5574945, MONDO:0012276, OMIM 609446.

Allele frequency attached by ClinVar (database versions not stated): gnomAD 0.00001; ExAC 0.00003; gnomAD exomes 0.00004; TOPMed 0.00004.
gnomAD v4.1: 42 of 1,613,928 alleles (0.0026%); highest among the groups gnomAD compares: Admixed American, 0.01%; no homozygotes.

Submissions (4):

Labcorp Genetics (formerly Invitae), Labcorp
Classification: Likely benign for Generalized epilepsy-paroxysmal dyskinesia syndrome. Last evaluated: 2025-08-22. Review status: criteria provided, single submitter. Criteria: Invitae Variant Classification Sherloc (09022015). Collection method: clinical testing. Allele origin: germline.

Blueprint Genetics
Classification: Likely benign. Last evaluated: 2024-08-06. Review status: criteria provided, single submitter. Criteria: ACMG Guidelines, 2015. Collection method: clinical testing. Allele origin: germline.

CeGaT Center for Human Genetics Tuebingen
Classification: Likely benign. Last evaluated: 2024-07-01. Review status: criteria provided, single submitter. Criteria: CeGaT Center For Human Genetics Tuebingen Variant Classification Criteria Version 2. Collection method: clinical testing. Allele origin: germline. Affected: yes. Observed: 2 variant alleles.
Comment: KCNMA1: BP4, BP7

Illumina Laboratory Services, Illumina
Classification: Uncertain significance for Generalized epilepsy-paroxysmal dyskinesia syndrome. Last evaluated: 2018-01-13. Review status: criteria provided, single submitter. Criteria: ICSL Variant Classification Criteria 13 December 2019. Collection method: clinical testing. Allele origin: germline.

NM_001161352.2(KCNMA1):c.3588G>A (p.Ser1196=)

Gene: KCNMA1 (potassium calcium-activated channel subfamily M alpha 1; minus strand). Cytogenetic location: 10q22.3.
Variant type: single nucleotide variant.
Coding change: c.3588G>A on transcript NM_001161352.2 (MANE Select); coding-DNA position 3588, G replaced by A.
Protein change: p.Ser1196=; no amino-acid change (serine 1196 retained).
Molecular consequence: synonymous variant.
Genome position (GRCh38, 1-based): chr10:76,887,389, C>T on the plus strand (G>A on the coding strand, the complement: KCNMA1 is on the minus strand). VCF-style: chr10-76887389-C-T. GRCh37 (hg19) VCF-style: chr10-78647147-C-T.
Other names: c.3426G>A, p.Ser1142= (NM_001014797.3); c.3537G>A, p.Ser1179= (NM_001161353.2); c.3264G>A, p.Ser1088= (NM_001271518.2); c.3504G>A, p.Ser1168= (NM_001271519.2); c.3423G>A, p.Ser1141= (NM_001322829.2, NM_001322836.2); c.3516G>A, p.Ser1172= (NM_001322830.2); c.3414G>A, p.Ser1138= (NM_001322832.2, NM_002247.4); c.3507G>A, p.Ser1169= (NM_001322835.2, NM_001322837.2); and 1 more.
Identifiers: ClinVar variation 726009 (VCV000726009.40), dbSNP rs75138661, ClinGen allele CA5567805.
Genomic context (GRCh38, chr10:76,887,389, plus strand): 5'-CTGTCGGTTTGCTGTGGATGGGATGGAGTGAACAGAGGAGCTCTTCTTGCTGGAGGACTG[C>T]GACGAGTGGGAGGAATGGGACAGGCTGGCCCGGGACTGGCCGGCATTGTGGTCAAACTGC-3'
Protein context (NP_001154824.1, residues 1186-1206): RASLSHSSHS[Ser1196=]QSSSKKSSSV